The following is an entry in ClinVar:

ClinVar aggregate classification (germline): Uncertain significance (1 of 4 stars; one submission).

Conditions:
Congenital myopathy with internal nuclei and atypical cores. Also called: Myopathy, centronuclear, 4. Identifiers: Orphanet 319160, MedGen C4707232, MONDO:0013890, OMIM 614807.

Submission:

Labcorp Genetics (formerly Invitae), Labcorp
Classification: Uncertain significance for Congenital myopathy with internal nuclei and atypical cores. Last evaluated: 2025-04-08. Review status: criteria provided, single submitter. Criteria: Invitae Variant Classification Sherloc (09022015). Collection method: clinical testing. Allele origin: germline.
Comment: This sequence change falls in intron 1 of the CCDC78 gene. It does not directly change the encoded amino acid sequence of the CCDC78 protein. It affects a nucleotide within the consensus splice site. This variant is not present in population databases (gnomAD no frequency). This variant has not been reported in the literature in individuals affected with CCDC78-related conditions. ClinVar contains an entry for this variant (Variation ID: 2043381). Variants that disrupt the consensus splice site are a relatively common cause of aberrant splicing (PMID: 17576681, 9536098). Algorithms developed to predict the effect of sequence changes on RNA splicing suggest that this variant is not likely to affect RNA splicing. In summary, the available evidence is currently insufficient to determine the role of this variant in disease. Therefore, it has been classified as a Variant of Uncertain Significance.

Literature cited by the submitters: PubMed 17576681; PubMed 9536098.

NM_001378030.1(CCDC78):c.60+3G>A

Gene: CCDC78 (coiled-coil domain containing 78; minus strand). Cytogenetic location: 16p13.3.
Variant type: single nucleotide variant.
Coding change: c.60+3G>A on transcript NM_001378030.1 (MANE Select); 3 bases into the intron after coding-DNA position 60, G replaced by A.
Molecular consequence: intron variant. On other transcripts: non-coding transcript variant (1).
Genome position (GRCh38, 1-based): chr16:726,305, C>T on the plus strand (G>A on the coding strand, the complement: CCDC78 is on the minus strand). VCF-style: chr16-726305-C-T. GRCh37 (hg19) VCF-style: chr16-776305-C-T.
Other names: c.-225-220G>A (NM_001378033.1); c.60+3G>A (NM_001378031.1, NM_001031737.3).
Identifiers: ClinVar variation 2043381 (VCV002043381.4), dbSNP rs2544094070, ClinGen allele CA2575978424.